The following is an entry in ClinVar:

ClinVar aggregate classification (germline): Uncertain significance (1 of 4 stars; one submission).

Conditions:
Mucopolysaccharidosis, MPS-II (MPS2). Also called: IDS deficiency; Sulfoiduronate sulfatase deficiency; SIDS deficiency; Mucopolysaccharidosis with skin involvement; Mucopolysaccharidosis type 2; Attenuated MPS (subtype; formerly known as mild MPS II). Identifiers: Orphanet 580, Orphanet 79388, MedGen C0026705, MONDO:0010674, OMIM 309900.

Submission:

Labcorp Genetics (formerly Invitae), Labcorp
Classification: Uncertain significance for Mucopolysaccharidosis, MPS-II. Last evaluated: 2018-01-16. Review status: criteria provided, single submitter. Criteria: Invitae Variant Classification Sherloc (09022015). Collection method: clinical testing. Allele origin: germline.
Comment: A gross duplication of the genomic region encompassing the full coding sequence of the IDS gene has been identified. The boundaries of this event are unknown as the duplication extends beyond the assayed region for this gene and therefore may encompass additional genes. As the precise location of this duplication is unknown, it may be in tandem or it may be located elsewhere in the genome. IDS duplication has been reported in an individual affected with tetralogy of fallot (PMID: 22912587). In summary, the available evidence is currently insufficient to determine the role of this variant in disease. Therefore, it has been classified as a Variant of Uncertain Significance.

Literature cited by the submitters: PubMed 22912587.

NC_000023.10:g.(?_148564257)_(148586687_?)dup

Gene: IDS (iduronate 2-sulfatase; minus strand). Cytogenetic location: Xq28.
Variant type: Duplication.
Identifiers: ClinVar variation 527325 (VCV000527325.1).